The following is an entry in ClinVar:

NM_000478.6(ALPL):c.1171C>T (p.Arg391Cys)

Gene: ALPL (alkaline phosphatase, biomineralization associated; plus strand). Cytogenetic location: 1p36.12.
Variant type: single nucleotide variant.
Coding change: c.1171C>T on transcript NM_000478.6 (MANE Select); coding-DNA position 1171, C replaced by T.
Protein change: p.Arg391Cys; replaces arginine 391 with cysteine.
Molecular consequence: missense variant.
Genome position (GRCh38, 1-based): chr1:21,575,906, C>T. VCF-style: chr1-21575906-C-T. GRCh37 (hg19) VCF-style: chr1-21902399-C-T.
Other names: c.1006C>T, p.Arg336Cys (NM_001127501.4); c.940C>T, p.Arg314Cys (NM_001177520.3); c.1171C>T, p.Arg391Cys (NM_001369803.2, NM_001369804.2, NM_001369805.2); short protein forms R391C, R314C, R336C.
Identifiers: ClinVar variation 550442 (VCV000550442.31), dbSNP rs371243939, ClinGen allele CA666747.
Genomic context (GRCh38, chr1:21,575,906, plus strand): 5'-ACTCTGACCGTGGTCACTGCGGACCATTCCCACGTCTTCACATTTGGTGGATACACCCCC[C>T]GTGGCAACTCTATCTTTGGTAGGTGGGCCTTCTTTGGGGTGGACACTCCTGGGGTCTCCT-3'
Protein context (NP_000469.3, residues 381-401): HVFTFGGYTP[Arg391Cys]GNSIFGLAPM

ClinVar aggregate classification (germline): Pathogenic. Review status: criteria provided, multiple submitters, no conflicts (2 of 4 stars). 12 submissions from 12 submitters: Pathogenic (10). 2 of the submissions do not count toward it. Last evaluated 2025-12-13.

Conditions:
ALPL-related disorder. Also called: ALPL-related disorders; ALPL-related condition.
Childhood hypophosphatasia. Identifiers: Orphanet 247667, Orphanet 436, MedGen C0220743, MONDO:1010168, OMIM 241510, MONDO:0009428.
Infantile hypophosphatasia. Identifiers: Orphanet 247651, Orphanet 436, MedGen C0268412, MONDO:1010169, OMIM 241500, MONDO:0009427.
Adult hypophosphatasia. Identifiers: Orphanet 247676, Orphanet 436, MedGen C0268413, MONDO:1010154, OMIM 146300, MONDO:0007798.
Hypophosphatasia. Also called: Phosphoethanol-aminuria. Identifiers: Orphanet 436, MedGen C0020630, MeSH D007014, MONDO:0018570.
Osteogenesis imperfecta (OI). Identifiers: Orphanet 666, MedGen C0029434, MeSH D010013, MONDO:0019019.
Inborn genetic diseases. Identifiers: MedGen C0950123, MeSH D030342.

Allele frequency attached by ClinVar (database versions not stated): gnomAD 0.00001; gnomAD exomes 0.00001 and 0.00006; TOPMed 0.00001; ExAC 0.00002; ESP Exome Variant Server 0.00008.
gnomAD v4.1: 94 of 1,614,092 alleles (0.0058%); highest among the groups gnomAD compares: Non-Finnish European, 0.0076%; no homozygotes.

Submissions (12):

Labcorp Genetics (formerly Invitae), Labcorp
Classification: Pathogenic. Last evaluated: 2025-12-13. Review status: criteria provided, single submitter. Criteria: Invitae Variant Classification Sherloc (09022015). Collection method: clinical testing. Allele origin: germline.
Comment: This sequence change replaces arginine, which is basic and polar, with cysteine, which is neutral and slightly polar, at codon 391 of the ALPL protein (p.Arg391Cys). This variant is present in population databases (rs371243939, gnomAD 0.003%). This missense change has been observed in individual(s) with ALPL-related conditions (PMID: 10332035, 17719863, 22397652, 29159075, 29354166). In at least one individual the data is consistent with being in trans (on the opposite chromosome) from a pathogenic variant. This variant is also known as p.Arg374Cys. ClinVar contains an entry for this variant (Variation ID: 550442). Invitae Evidence Modeling of protein sequence and biophysical properties (such as structural, functional, and spatial information, amino acid conservation, physicochemical variation, residue mobility, and thermodynamic stability) indicates that this missense variant is expected to disrupt ALPL protein function with a positive predictive value of 95%. Experimental studies have shown that this missense change affects ALPL function (PMID: 10332035, 17719863, 19500388). For these reasons, this variant has been classified as Pathogenic.

Genomenon, Inc
Classification: Pathogenic for Hypophosphatasia. Last evaluated: 2025-08-29. Review status: criteria provided, single submitter. Criteria: Genomenon Sequence Variant Interpretation Standards. Collection method: curation. Allele origin: germline. Affected: yes.
Comment: ALPL p.Arg391Cys (c.1171C>T) is a missense variant that changes the amino acid at residue 391 from Arginine to Cysteine. This variant has been observed in multiple probands affected with hypophosphatasia (PMID:35878747;25731960;32811521;30788858;30655187;32973344;31793067;17241478;29236161;33814268;28436937;19500388;22397652). At least one functional study has demonstrated a substantial alteration in protein function relative to the wild-type (PMID:32160374;19500388). It is absent or not present at a significant frequency in gnomAD. In silico models agree that this variant is possibly or probably damaging. In conclusion, we classify ALPL p.Arg391Cys (c.1171C>T) as a pathogenic variant.

Natera, Inc.
Classification: Pathogenic for Hypophosphatasia. Last evaluated: 2025-02-24. Review status: criteria provided, single submitter. Criteria: Natera Variant Classification Schema (03/2026). Collection method: clinical testing. Allele origin: germline.
Comment: The c.1171C>T variant in ALPL is a missense variant predicted to cause substitution of arginine to cysteine at amino acid 391. This variant is rare in the general population with a frequency below the threshold expected for the associated phenotype(s). This variant has been observed in one or more individuals affected with the associated recessive disease, as either homozygous or compound heterozygous with a second variant (PMID: 29159075, 15300736). Computational prediction algorithms indicate this variant is likely to affect gene or protein function. Given the available evidence, this variant is classified as Pathogenic.

Blueprint Genetics
Classification: Pathogenic for ALPL-related disorders. Last evaluated: 2024-09-20. Review status: criteria provided, single submitter. Criteria: ACMG Guidelines, 2015. Collection method: clinical testing. Allele origin: germline. Affected: yes. Observed: 5 variant alleles.

Baylor Genetics
Classification: Pathogenic for Adult hypophosphatasia. Last evaluated: 2024-02-26. Review status: criteria provided, single submitter. Criteria: ACMG Guidelines, 2015. Collection method: clinical testing. Allele origin: unknown.

Women's Health and Genetics/Laboratory Corporation of America, LabCorp
Classification: Pathogenic for Hypophosphatasia. Last evaluated: 2024-02-19. Review status: criteria provided, single submitter. Criteria: LabCorp Variant Classification Summary - May 2015. Collection method: clinical testing. Allele origin: germline.
Comment: Variant summary: ALPL c.1171C>T (p.Arg391Cys) results in a non-conservative amino acid change in the encoded protein sequence. Five of five in-silico tools predict a damaging effect of the variant on protein function. The variant allele was found at a frequency of 5.8e-05 in 1614092 control chromosomes (gnomAD). This frequency is not significantly higher than estimated for a pathogenic variant in ALPL causing Hypophosphatasia (5.8e-05 vs 0.0035), allowing no conclusion about variant significance. c.1171C>T has been reported in the literature in multiple compound heterozygous individuals affected with Hypophosphatasia (examples: Zurutuza_1999, Simon-Bouy_2008, Whyte_2012, and DelAngel_2020). These data indicate that the variant is very likely to be associated with disease. Multiple reports have shown experimental evidence that this variant affects normal protein function (examples: Zurutuza_1999, DelAngel_2020). The following publications have been ascertained in the context of this evaluation (PMID: 32160374, 25731960, 22397652, 18925618, 10332035). ClinVar contains an entry for this variant (Variation ID: 550442). Based on the evidence outlined above, the variant was classified as pathogenic.

Ambry Genetics
Classification: Pathogenic for Inborn genetic diseases. Last evaluated: 2024-02-14. Review status: criteria provided, single submitter. Criteria: Ambry Variant Classification Scheme 2023. Collection method: clinical testing. Allele origin: germline.
Comment: The c.1171C>T (p.R391C) alteration is located in exon 10 (coding exon 9) of the ALPL gene. This alteration results from a C to T substitution at nucleotide position 1171, causing the arginine (R) at amino acid position 391 to be replaced by a cysteine (C)._x000D_ _x000D_ for loss of function ALPL-related hypophosphatasia; however, its clinical significance for dominant negative ALPL-related hypophosphatasia is uncertain. Based on data from gnomAD, the T allele has an overall frequency of 0.001% (3/251468) total alleles studied. The highest observed frequency was 0.003% (3/113748) of European (non-Finnish) alleles. This variant has been identified likely in trans with another ALPL variant in multiple individuals diagnosed with reduced ALP serum levels and teeth/skeletal abnormalities (Brun-Heath, 2007; Costain, 2018; Lawrence, 2017). Additionally, this variant has been reported as homozygous in one individual with infantile hypophosphatasia (Del Angel, 2020). Furthermore, this variant has been reported heterozygous in individuals with varying levels of severity of hypophosphatasia (Fauvert, 2009; Taillandier, 2018; Gurevich, 2020; Lefever, 2020; Vogt, 2020). Another alteration at the same codon, c.1172G>A (p.R391H), has been detected in one individual with odontohypophosphatasia form of hypophosphatasia (Fauvert, 2009). This amino acid position is highly conserved in available vertebrate species. Multiple assays showed this variant results in significant reduction in ALPL activity (Zurutuza, 1999; Fauvert, 2009; Del Angel, 2020). This alteration is predicted to be deleterious by in silico analysis. Based on the available evidence, this alteration is classified as pathogenic.

Fulgent Genetics
Classification: Pathogenic for Adult hypophosphatasia; Infantile hypophosphatasia; Childhood hypophosphatasia. Last evaluated: 2024-01-15. Review status: criteria provided, single submitter. Criteria: ACMG Guidelines, 2015. Collection method: clinical testing. Allele origin: germline.

GeneDx
Classification: Pathogenic. Last evaluated: 2023-09-04. Review status: criteria provided, single submitter. Criteria: GeneDx Variant Classification Process June 2021. Collection method: clinical testing. Allele origin: germline. Affected: yes.
Comment: Also denoted as R374C due to alternative nomenclature; Published functional studies demonstrate a damaging effect with reduced alkaline phosphatase activity (Zurutuza et al., 1999; Fauvert et al., 2009; Del Angel et al., 2020); Not observed at significant frequency in large population cohorts (gnomAD); In silico analysis supports that this missense variant has a deleterious effect on protein structure/function; This variant is associated with the following publications: (PMID: 18523927, 34662886, 28530318, 17719863, 19500388, 29159075, 15300736, 10332035, 29354166, 29236161, 32160374, 22397652)

Genome Diagnostics Laboratory, The Hospital for Sick Children
Classification: Pathogenic for Osteogenesis imperfecta. Last evaluated: 2022-02-18. Review status: criteria provided, single submitter. Criteria: ACMG Guidelines, 2015. Collection method: clinical testing. Allele origin: germline.

PreventionGenetics, part of Exact Sciences
Classification: Pathogenic for ALPL-related condition. Last evaluated: 2024-08-10. Review status: no assertion criteria provided. Collection method: clinical testing. Allele origin: germline. Not counted in ClinVar's aggregate classification.
Comment: The ALPL c.1171C>T variant is predicted to result in the amino acid substitution p.Arg391Cys. This variant, in the compound heterozygous state, has been reported to be pathogenic for childhood hypophosphatasia, infantile hypophosphatasia, and perinatal hypophosphatasia (Fauvert et al. 2009. PubMed ID: 19500388; Zurutuza et al. 1999. PubMed ID: 10332035, reported as p.Arg374Cys; Utsch et al. 2009. PubMed ID: 18523927; Costain et al. 2018. PubMed ID: 29159075). This variant has also been reported in individuals with low serum alkaline phosphatase and low bone mineral density (Nielson et al. 2012. PubMed ID: 21956185). This variant has been classified as pathogenic or likely pathogenic by multiple independent submitters to the ClinVar database. Given the evidence, we interpret ALPL c.1171C>T (p.Arg391Cys) as pathogenic.

Counsyl
Classification: Likely pathogenic for Infantile hypophosphatasia. Last evaluated: 2017-01-17. Review status: no assertion criteria provided. Collection method: clinical testing. Allele origin: unknown. Not counted in ClinVar's aggregate classification.

Literature cited by the submitters: PubMed 10332035 (cited by 4 submitters); PubMed 17719863 (cited by Labcorp Genetics (formerly Invitae), Labcorp and Ambry Genetics); PubMed 22397652 (cited by 3 submitters); PubMed 29159075 (cited by 3 submitters); PubMed 29354166 (cited by Labcorp Genetics (formerly Invitae), Labcorp and Ambry Genetics); PubMed 19500388 (cited by 4 submitters); PubMed 35878747 (cited by Genomenon, Inc); PubMed 25731960 (cited by Genomenon, Inc and Women's Health and Genetics/Laboratory Corporation of America, LabCorp); PubMed 32811521 (cited by Genomenon, Inc and Ambry Genetics); PubMed 30788858 (cited by Genomenon, Inc and Ambry Genetics); PubMed 30655187 (cited by Genomenon, Inc and Ambry Genetics); PubMed 32973344 (cited by Genomenon, Inc); PubMed 31793067 (cited by Genomenon, Inc); PubMed 17241478 (cited by Genomenon, Inc); PubMed 29236161 (cited by Genomenon, Inc and Ambry Genetics); PubMed 33814268 (cited by Genomenon, Inc); PubMed 28436937 (cited by Genomenon, Inc); PubMed 32160374 (cited by 3 submitters); PubMed 15300736 (cited by Natera, Inc. and Counsyl); PubMed 18925618 (cited by Women's Health and Genetics/Laboratory Corporation of America, LabCorp); PubMed 18523927 (cited by Counsyl).